The following is an entry in ClinVar:

NM_004247.4(EFTUD2):c.45del (p.Glu16fs)

Gene: EFTUD2 (elongation factor Tu GTP binding domain containing 2; minus strand). Cytogenetic location: 17q21.31.
Variant type: Deletion.
Coding change: c.45del on transcript NM_004247.4 (MANE Select); coding-DNA position 45, one base deleted (A; older notation c.45delA).
Protein change: p.Glu16fs; shifts the reading frame from glutamic acid 16.
Molecular consequence: frameshift variant. On other transcripts: intron variant (1).
Genome position (GRCh38, 1-based): chr17:44,894,477, T deleted on the plus strand (A on the coding strand, the reverse complement: EFTUD2 is on the minus strand). VCF-style (leftmost placement, unchanged base first): chr17-44894476-CT-C. GRCh37 (hg19) VCF-style: chr17-42971844-CT-C.
Other names: c.45del, p.Glu16fs (NM_001258353.2, NM_001258354.2); c.-1+4892del (NM_001142605.2); c.45delA (NM_004247.4); short protein forms E16fs.
Identifiers: ClinVar variation 1690532 (VCV001690532.2), dbSNP rs2145581806, ClinGen allele CA2573153951.

ClinVar aggregate classification (germline): Likely pathogenic (1 of 4 stars; one submission).

Submission:

Laboratorio de Genetica e Diagnostico Molecular, Hospital Israelita Albert Einstein
Classification: Likely pathogenic. Last evaluated: 2021-12-22. Review status: criteria provided, single submitter. Criteria: ACMG Guidelines, 2015. Collection method: clinical testing. Allele origin: germline. Affected: yes.
Comment: ACMG classification criteria: PVS1, PM2